The following is an entry in ClinVar:

ClinVar aggregate classification (germline): Likely benign (1 of 4 stars; one submission).

Submission:

Women's Health and Genetics/Laboratory Corporation of America, LabCorp
Classification: Likely benign. Last evaluated: 2022-04-05. Review status: criteria provided, single submitter. Criteria: LabCorp Variant Classification Summary - May 2015. Collection method: clinical testing. Allele origin: germline.
Comment: Variant summary: TTN c.88257C>A alters a conserved nucleotide resulting in a synonymous change. 4/4 computational tools predict no significant impact on normal splicing. However, these predictions have yet to be confirmed by functional studies. The variant was absent in 248574 control chromosomes. The available data on variant occurrences in the general population are insufficient to allow any conclusion about variant significance. To our knowledge, no occurrence of c.88257C>A in individuals affected with Dilated Cardiomyopathy and no experimental evidence demonstrating its impact on protein function have been reported. No clinical diagnostic laboratories have submitted clinical-significance assessments for this variant to ClinVar after 2014. Based on the evidence outlined above, the variant was classified as likely benign.

NM_001267550.2(TTN):c.95961C>A (p.Ala31987=)

Genes: TTN (titin; minus strand), TTN-AS1 (TTN antisense RNA 1; plus strand). Cytogenetic location: 2q31.2.
Variant type: single nucleotide variant.
Coding change: c.95961C>A on transcript NM_001267550.2 (MANE Select); coding-DNA position 95961, C replaced by A.
Protein change: p.Ala31987=; no amino-acid change (alanine 31987 retained).
Molecular consequence: synonymous variant.
Genome position (GRCh38, 1-based): chr2:178,544,268, G>T on the plus strand (C>A on the coding strand, the complement: TTN is on the minus strand). VCF-style: chr2-178544268-G-T. GRCh37 (hg19) VCF-style: chr2-179408995-G-T.
Other names: c.91038C>A, p.Ala30346= (NM_001256850.1); c.68766C>A, p.Ala22922= (NM_003319.4); c.88257C>A, p.Ala29419= (NM_133378.4); c.69141C>A, p.Ala23047= (NM_133432.3); c.69342C>A, p.Ala23114= (NM_133437.4).
Identifiers: ClinVar variation 1683392 (VCV001683392.1), dbSNP rs369405564, ClinGen allele CA430241552.